The following is an entry in ClinVar:

NM_020686.6(ABAT):c.511G>A (p.Ala171Thr)

Gene: ABAT (4-aminobutyrate aminotransferase; plus strand). Cytogenetic location: 16p13.2.
Variant type: single nucleotide variant.
Coding change: c.511G>A on transcript NM_020686.6 (MANE Select); coding-DNA position 511, G replaced by A.
Protein change: p.Ala171Thr; replaces alanine 171 with threonine.
Molecular consequence: missense variant. On other transcripts: intron variant (1).
Genome position (GRCh38, 1-based): chr16:8,764,801, G>A. VCF-style: chr16-8764801-G-A. GRCh37 (hg19) VCF-style: chr16-8858658-G-A.
Other names: c.511G>A, p.Ala171Thr (NM_000663.5, NM_001127448.2, NM_001386600.1 and 9 more transcripts); c.376G>A, p.Ala126Thr (NM_001386610.1, NM_001386611.1, NM_001386612.1 and 1 more transcripts); c.265G>A, p.Ala89Thr (NM_001386614.1); c.607G>A, p.Ala203Thr (NM_001386615.1); c.447+652G>A (NM_001386608.1); short protein forms A171T, A89T, A126T, A203T.
Identifiers: ClinVar variation 1449611 (VCV001449611.6), dbSNP rs903118661, ClinGen allele CA277468704.

ClinVar aggregate classification (germline): Uncertain significance (1 of 4 stars; one submission).

Conditions:
Gamma-aminobutyric acid transaminase deficiency (GABATD). Also called: GABA aminotransaminase deficiency; GABA transaminase deficiency; Gamma aminobutyrate transaminase deficiency; 4 alpha aminobutyrate transaminase deficiency. Identifiers: Orphanet 2066, MedGen C0342708, MONDO:0013166, OMIM 613163.

Allele frequency attached by ClinVar (database versions not stated): gnomAD 0.00001; TOPMed 0.00001.

Submission:

Labcorp Genetics (formerly Invitae), Labcorp
Classification: Uncertain significance for Gamma-aminobutyric acid transaminase deficiency. Last evaluated: 2026-01-19. Review status: criteria provided, single submitter. Criteria: Invitae Variant Classification Sherloc (09022015). Collection method: clinical testing. Allele origin: germline.
Comment: This sequence change replaces alanine, which is neutral and non-polar, with threonine, which is neutral and polar, at codon 171 of the ABAT protein (p.Ala171Thr). This variant is not present in population databases (gnomAD no frequency). This variant has not been reported in the literature in individuals affected with ABAT-related conditions. ClinVar contains an entry for this variant (Variation ID: 1449611). Invitae Evidence Modeling of protein sequence and biophysical properties (such as structural, functional, and spatial information, amino acid conservation, physicochemical variation, residue mobility, and thermodynamic stability) has been performed for this missense variant. However, the output from this modeling did not meet the statistical confidence thresholds required to predict the impact of this variant on ABAT protein function. In summary, the available evidence is currently insufficient to determine the role of this variant in disease. Therefore, it has been classified as a Variant of Uncertain Significance.